The following is an entry in ClinVar:

ClinVar aggregate classification (germline): Established risk allele (0 of 4 stars; one submission).

Conditions:
Inherited susceptibility to asthma. Also called: Asthma, susceptibility to; ASTHMA, BRONCHIAL; ASTHMA-RELATED TRAITS, SUSCEPTIBILITY TO. Identifiers: MedGen C1869116, MONDO:0010940, OMIM 600807.

Submission:

Allergology and Ecology Laboratory, University of Burdwan
Classification: Established risk allele for Inherited susceptibility to asthma. Last evaluated: 2024-12-21. Review status: no assertion criteria provided. Collection method: research. Allele origin: inherited. Affected: yes. Observed: 695 variant alleles, 505 heterozygotes, 190 homozygotes.
Comment: The NM_000963.4 c.-1290C>T (PTGS2 rs689465) is a promoter polymorphism situated in PTGS2 gene which is found associated with aero-allergen induced allergic asthma within the population of West Bengal, India. Statistical analysis revealed a significant association between the G allele and increased asthma susceptibility. This variant was also found to downregulate both mRNA and protein expression of PTGS2 in asthma patients. In-silico analysis revealed that rs689465 influences binding of FOXL1 transcription factor which may cause transcriptional downregulation. The case-control based association study was conducted under research settings and the data represent population-level genetic association rather than clinical diagnostic evidence.

NM_000963.4(PTGS2):c.-1290C>T

Gene: PTGS2 (prostaglandin-endoperoxide synthase 2; minus strand). Cytogenetic location: 1q31.1.
Variant type: single nucleotide variant.
Coding change: c.-1290C>T on transcript NM_000963.4 (MANE Select); 1290 bases upstream of the start codon, C replaced by T.
Genome position (GRCh38, 1-based): chr1:186,681,580, G>A on the plus strand (C>T on the coding strand, the complement: PTGS2 is on the minus strand). VCF-style: chr1-186681580-G-A. GRCh37 (hg19) VCF-style: chr1-186650712-G-A.
Identifiers: ClinVar variation 4528335 (VCV004528335.1).
Genomic context (GRCh38, chr1:186,681,580, plus strand): 5'-ACTTTTCAGTTGCCTGGGCTTATTGGGGCTAATTTTCTATTCTCGTTTTGGAACATAGTT[G>A]GATGAGGAATTAATTAGATGGAAGGGAGATTTTGACAGTTGGAATTTCATCTTTGCTTTT-3'